The following is an entry in ClinVar:

NM_001099271.2(POC5):c.901G>C (p.Glu301Gln)

Gene: POC5 (POC5 centriolar protein; minus strand). Cytogenetic location: 5q13.3.
Variant type: single nucleotide variant.
Coding change: c.901G>C on transcript NM_001099271.2 (MANE Select); coding-DNA position 901, G replaced by C.
Protein change: p.Glu301Gln; replaces glutamic acid 301 with glutamine.
Molecular consequence: missense variant.
Genome position (GRCh38, 1-based): chr5:75,690,457, C>G on the plus strand (G>C on the coding strand, the complement: POC5 is on the minus strand). VCF-style: chr5-75690457-C-G. GRCh37 (hg19) VCF-style: chr5-74986282-C-G.
Other names: c.826G>C, p.Glu276Gln (NM_152408.3); short protein forms E301Q, E276Q.
Identifiers: ClinVar variation 2127186 (VCV002127186.4), dbSNP rs2478827016, ClinGen allele CA360146412.

ClinVar aggregate classification (germline): Uncertain significance (1 of 4 stars; one submission).

Submission:

Labcorp Genetics (formerly Invitae), Labcorp
Classification: Uncertain significance. Last evaluated: 2022-04-17. Review status: criteria provided, single submitter. Criteria: Invitae Variant Classification Sherloc (09022015). Collection method: clinical testing. Allele origin: germline.
Comment: Algorithms developed to predict the effect of missense changes on protein structure and function are either unavailable or do not agree on the potential impact of this missense change (SIFT: "Not Available"; PolyPhen-2: "Probably Damaging"; Align-GVGD: "Not Available"). In summary, the available evidence is currently insufficient to determine the role of this variant in disease. Therefore, it has been classified as a Variant of Uncertain Significance. This variant has not been reported in the literature in individuals affected with POC5-related conditions. This variant is not present in population databases (gnomAD no frequency). This sequence change replaces glutamic acid, which is acidic and polar, with glutamine, which is neutral and polar, at codon 301 of the POC5 protein (p.Glu301Gln).